The following is an entry in ClinVar:

NC_000019.10:g.56027667C>T

Genes: NLRP5 (NLR family pyrin domain containing 5; plus strand), LOC126862935 (BRD4-independent group 4 enhancer GRCh37_chr19:56537936-56539135; plus strand). Cytogenetic location: 19q13.43.
Variant type: single nucleotide variant.
Genome position: GRCh38 VCF-style: chr19-56027667-C-T. GRCh37 (hg19) VCF-style: chr19-56539033-C-T.
Identifiers: ClinVar variation 2650552 (VCV002650552.24), dbSNP rs537345559, ClinGen allele CA9685554.

ClinVar aggregate classification (germline): Likely benign (1 of 4 stars; one submission).

Allele frequency attached by ClinVar (database versions not stated): gnomAD exomes 0.00005; gnomAD 0.00007; ExAC 0.00001; TOPMed 0.00004.
gnomAD v4.1: 88 of 1,613,314 alleles (0.0055%); highest among the groups gnomAD compares: Non-Finnish European, 0.0066%; no homozygotes.

Submission:

CeGaT Center for Human Genetics Tuebingen
Classification: Likely benign. Last evaluated: 2022-08-01. Review status: criteria provided, single submitter. Criteria: CeGaT Center For Human Genetics Tuebingen Variant Classification Criteria Version 2. Collection method: clinical testing. Allele origin: germline. Affected: yes. Observed: 1 variant allele.
Comment: NLRP5: BP4, BP7